The following is an entry in ClinVar:

ClinVar aggregate classification (germline): Pathogenic/Likely pathogenic. Review status: criteria provided, multiple submitters, no conflicts (2 of 4 stars). 6 submissions from 6 submitters: Pathogenic (4); Likely pathogenic (1). 1 of the submissions does not count toward it. Last evaluated 2026-04-19.

Conditions:
Inborn genetic diseases. Identifiers: MedGen C0950123, MeSH D030342.
Charcot-Marie-Tooth disease. Also called: Charcot-Marie-Tooth Hereditary Neuropathy; Charcot-Marie-Tooth Neuropathy. Identifiers: Orphanet 166, MedGen C0007959, MONDO:0015626.
Charcot-Marie-Tooth disease, type I (CMT1). Also called: Charcot-Marie-Tooth disease type 1; Charcot-Marie-Tooth, Type 1. Identifiers: Orphanet 65753, MedGen C0751036, MONDO:0019011.
Roussy-Lévy syndrome. Also called: Roussy Levy hereditary areflexic dystasia; Roussy-Levy disease; Hereditary areflexic dystasia; Roussy-Levy Syndrome. Identifiers: Orphanet 3115, MedGen C0205713, MONDO:0008392, OMIM 180800.
MPZ-related disorder. Also called: MPZ-related condition; MPZ-related disorders.
Charcot-Marie-Tooth disease dominant intermediate D. Also called: Charcot-Marie-Tooth disease dominant intermediate 3; CMT DI3; CHARCOT-MARIE-TOOTH NEUROPATHY, DOMINANT INTERMEDIATE D. Identifiers: Orphanet 100046, MedGen C1843075, MONDO:0011909, OMIM 607791.
Charcot-Marie-Tooth disease type 2I (CMT2I). Also called: CHARCOT-MARIE-TOOTH DISEASE, AXONAL, TYPE 2I. Identifiers: Orphanet 99942, MedGen C3888087, MONDO:0011889, OMIM 607677.
Charcot-Marie-Tooth disease type 2J (CMT2J). Also called: CHARCOT-MARIE-TOOTH DISEASE, AXONAL, TYPE 2J; CHARCOT-MARIE-TOOTH DISEASE, TYPE 2, WITH HEARING LOSS AND PUPILLARY ABNORMALITIES; CHARCOT-MARIE-TOOTH NEUROPATHY, TYPE 2J. Identifiers: Orphanet 99943, MedGen C1843153, MONDO:0011903, OMIM 607736.
Charcot-Marie-Tooth disease type 1B. Also called: HEREDITARY MOTOR AND SENSORY NEUROPATHY I; HEREDITARY MOTOR AND SENSORY NEUROPATHY IB; PERONEAL MUSCULAR ATROPHY; Charcot-Marie-Tooth disease, demyelinating, type 1b; Hereditary motor and sensory neuropathy 1B; Charcot-Marie-Tooth disease, type IB. Identifiers: Orphanet 101082, MedGen C0270912, MONDO:0007307, OMIM 118200.

Submissions (6):

Greenwood Genetic Center Diagnostic Laboratories, Greenwood Genetic Center
Classification: Pathogenic for Roussy-Lévy syndrome. Last evaluated: 2026-04-19. Review status: criteria provided, single submitter. Criteria: ACMG Guidelines, 2015. Collection method: clinical testing. Allele origin: germline. Affected: yes.
Comment: PVS1, PS4_Supporting, PM2

Labcorp Genetics (formerly Invitae), Labcorp
Classification: Pathogenic for Charcot-Marie-Tooth disease, type I. Last evaluated: 2025-11-09. Review status: criteria provided, single submitter. Criteria: Invitae Variant Classification Sherloc (09022015). Collection method: clinical testing. Allele origin: germline.
Comment: This sequence change creates a premature translational stop signal (p.Tyr145Serfs*16) in the MPZ gene. It is expected to result in an absent or disrupted protein product. Loss-of-function variants in MPZ are known to be pathogenic (PMID: 14711881). This variant is not present in population databases (gnomAD no frequency). This premature translational stop signal has been observed in individual(s) with Charcot-Marie-Tooth disease (PMID: 25614874). Invitae Evidence Modeling of clinical and family history, age, sex, and reported ancestry of multiple individuals with this MPZ variant has been performed. This variant is expected to be pathogenic with a positive predictive value of at least 99%. This is a validated machine learning model that incorporates the clinical features of 13,236 individuals referred to our laboratory for MPZ testing. ClinVar contains an entry for this variant (Variation ID: 531677). For these reasons, this variant has been classified as Pathogenic.

Ambry Genetics
Classification: Pathogenic for Inborn genetic diseases. Last evaluated: 2022-11-15. Review status: criteria provided, single submitter. Criteria: Ambry Variant Classification Scheme 2023. Collection method: clinical testing. Allele origin: germline.
Comment: The c.434_437delATGT (p.Y145Sfs*16) alteration, located in exon 3 (coding exon 3) of the MPZ gene, consists of a deletion of 4 nucleotides from position 434 to 437, causing a translational frameshift with a predicted alternate stop codon after 16 amino acids. This alteration is expected to result in loss of function by premature protein truncation or nonsense-mediated mRNA decay. This variant was not reported in population-based cohorts in the Genome Aggregation Database (gnomAD). This variant has been reported once in a large cohort of patients with features of Charcot-Marie-Tooth disease (DiVincenzo, 2014). Based on the available evidence, this alteration is classified as pathogenic.

PreventionGenetics, part of Exact Sciences
Classification: Likely pathogenic for MPZ-related condition. Last evaluated: 2022-11-07. Review status: criteria provided, single submitter. Criteria: ACMG Guidelines, 2015. Collection method: clinical testing. Allele origin: germline.
Comment: The MPZ c.434_437delATGT variant is predicted to result in a frameshift and premature protein termination (p.Tyr145Serfs*16). This variant was reported in an individual with Charcot-Marie-Tooth disease (Supplemental Table 5, DiVincenzo et al. 2014. PubMed ID: 25614874). This variant has not been reported in a large population database, indicating this variant is rare. Frameshift variants in MPZ are expected to be pathogenic. This variant is interpreted as likely pathogenic.

Athena Diagnostics
Classification: Pathogenic. Last evaluated: 2020-04-30. Review status: criteria provided, single submitter. Criteria: Athena Diagnostics Criteria. Collection method: clinical testing. Allele origin: unknown.
Comment: This variant is expected to result in the loss of a functional protein. This variant has not been reported in large, multi-ethnic general populations. This variant has been identified in at least one individual with clinical features associated with this gene

Inherited Neuropathy Consortium
Classification: Pathogenic for Charcot-Marie-Tooth disease. Review status: no assertion criteria provided. Collection method: literature only. Allele origin: germline. Affected: yes. Not counted in ClinVar's aggregate classification.

Literature cited by the submitters: PubMed 14711881 (cited by Labcorp Genetics (formerly Invitae), Labcorp); PubMed 25614874 (cited by 4 submitters); PubMed 8816708 (cited by Ambry Genetics); PubMed 15004559 (cited by Ambry Genetics).

NM_000530.8(MPZ):c.434_437del (p.Tyr145fs)

Gene: MPZ (myelin protein zero; minus strand). Cytogenetic location: 1q23.3.
Variant type: Deletion.
Coding change: c.434_437del on transcript NM_000530.8 (MANE Select); coding-DNA positions 434 to 437, 4 bases deleted (ATGT; older notation c.434_437delATGT).
Protein change: p.Tyr145fs; shifts the reading frame from tyrosine 145.
Molecular consequence: frameshift variant.
Genome position (GRCh38, 1-based): chr1:161,306,719-161,306,722, ACAT deleted on the plus strand (ATGT on the coding strand, the reverse complement: MPZ is on the minus strand); deleting any 4 consecutive bases within chr1:161,306,719-161,306,725 gives the same sequence; the c. name uses the placement nearest the transcript's 3' end. VCF-style (leftmost placement, unchanged base first): chr1-161306718-GACAT-G. GRCh37 (hg19) VCF-style: chr1-161276508-GACAT-G.
Other names: c.434_437del (NM_000530.6, LRG_256t1); c.434_437delATGT (NM_000530.7); c.434_437del, p.Tyr145fs (NM_001315491.2); short protein forms Y145fs.
Identifiers: ClinVar variation 531677 (VCV000531677.18), dbSNP rs1553259643, ClinGen allele CA658795555.